The following is an entry in ClinVar:

ClinVar aggregate classification (germline): Conflicting classifications of pathogenicity. Review status: criteria provided, conflicting classifications (1 of 4 stars). 3 submissions from 3 submitters: Uncertain significance (2); Likely benign (1). Last evaluated 2025-03-28.

Conditions:
Inborn genetic diseases. Identifiers: MedGen C0950123, MeSH D030342.

Allele frequency attached by ClinVar (database versions not stated): TOPMed 0.00020; gnomAD 0.00028; gnomAD exomes 0.00039; ExAC 0.00052; ESP Exome Variant Server 0.00054.
gnomAD v4.1: 717 of 1,613,644 alleles (0.044%); highest among the groups gnomAD compares: Non-Finnish European, 0.057%; 1 homozygote.

Submissions (3):

Ambry Genetics
Classification: Uncertain significance for Inborn genetic diseases. Last evaluated: 2025-03-28. Review status: criteria provided, single submitter. Criteria: Ambry Variant Classification Scheme 2023. Collection method: clinical testing. Allele origin: germline.

Blueprint Genetics
Classification: Likely benign. Last evaluated: 2024-09-13. Review status: criteria provided, single submitter. Criteria: ACMG Guidelines, 2015. Collection method: clinical testing. Allele origin: germline.

Labcorp Genetics (formerly Invitae), Labcorp
Classification: Uncertain significance. Last evaluated: 2022-06-03. Review status: criteria provided, single submitter. Criteria: Invitae Variant Classification Sherloc (09022015). Collection method: clinical testing. Allele origin: germline.
Comment: This sequence change replaces histidine, which is basic and polar, with arginine, which is basic and polar, at codon 1140 of the TTLL5 protein (p.His1140Arg). This variant is present in population databases (rs140038179, gnomAD 0.08%). This variant has not been reported in the literature in individuals affected with TTLL5-related conditions. ClinVar contains an entry for this variant (Variation ID: 955618). Algorithms developed to predict the effect of missense changes on protein structure and function (SIFT, PolyPhen-2, Align-GVGD) all suggest that this variant is likely to be tolerated. In summary, the available evidence is currently insufficient to determine the role of this variant in disease. Therefore, it has been classified as a Variant of Uncertain Significance.

NM_015072.5(TTLL5):c.3419A>G (p.His1140Arg)

Gene: TTLL5 (tubulin tyrosine ligase like 5; plus strand). Cytogenetic location: 14q24.3.
Variant type: single nucleotide variant.
Coding change: c.3419A>G on transcript NM_015072.5 (MANE Select); coding-DNA position 3419, A replaced by G.
Protein change: p.His1140Arg; replaces histidine 1140 with arginine.
Molecular consequence: missense variant.
Genome position (GRCh38, 1-based): chr14:75,863,759, A>G. VCF-style: chr14-75863759-A-G. GRCh37 (hg19) VCF-style: chr14-76330102-A-G.
Other names: short protein forms H1140R.
Identifiers: ClinVar variation 955618 (VCV000955618.8), dbSNP rs140038179, ClinGen allele CA7280006.